The following is an entry in ClinVar:

ClinVar aggregate classification (germline): Uncertain significance (1 of 4 stars; one submission).

Conditions:
Early-infantile DEE. Also called: Ohtahara syndrome; Early infantile epileptic encephalopathy with suppression bursts; Early infantile epileptic encephalopathy. Identifiers: Orphanet 1934, MedGen C0393706, MONDO:0800491.

Submission:

Labcorp Genetics (formerly Invitae), Labcorp
Classification: Uncertain significance for Early-infantile DEE. Last evaluated: 2022-03-19. Review status: criteria provided, single submitter. Criteria: Invitae Variant Classification Sherloc (09022015). Collection method: clinical testing. Allele origin: germline.
Comment: In summary, the available evidence is currently insufficient to determine the role of this variant in disease. Therefore, it has been classified as a Variant of Uncertain Significance. Experimental studies and prediction algorithms are not available or were not evaluated, and the functional significance of this variant is currently unknown. This variant has not been reported in the literature in individuals affected with HCN1-related conditions. This variant is not present in population databases (gnomAD no frequency). This variant, c.212_223del, results in the deletion of 4 amino acid(s) of the HCN1 protein (p.Gly71_Gly74del), but otherwise preserves the integrity of the reading frame.

NM_021072.4(HCN1):c.203GCG[3] (p.Gly71_Gly74del)

Gene: HCN1 (hyperpolarization activated cyclic nucleotide gated potassium channel 1; minus strand). Cytogenetic location: 5p12.
Variant type: Microsatellite.
Coding change: c.203GCG[3] on transcript NM_021072.4 (MANE Select); three copies in a row of the 3-base unit GCG starting at c.203; the reference has seven copies in a row; four copies, 12 bases deleted.
Protein change: p.Gly71_Gly74del.
Molecular consequence: inframe deletion.
Genome position (GRCh38, 1-based): chr5:45,695,871-45,695,882, CGCCGCCGCCGC deleted on the plus strand (GCGGCGGCGGCG on the coding strand, the reverse complement: HCN1 is on the minus strand); deleting any 12 consecutive bases within chr5:45,695,871-45,695,892 gives the same sequence; the position shown is the placement nearest the transcript's 3' end. VCF-style (leftmost placement, unchanged base first): chr5-45695870-TCGCCGCCGCCGC-T. GRCh37 (hg19) VCF-style: chr5-45695972-TCGCCGCCGCCGC-T.
Identifiers: ClinVar variation 1471833 (VCV001471833.9), dbSNP rs747975797, ClinGen allele CA2578305158.
Genomic context (GRCh38, chr5:45,695,870, plus strand): 5'-TGCATGAAGCCGTACTGCCGCCGGGGCCCCTCGGCGTCTTCGAAGCCCCCCGCCGGCTCC[TCGCCGCCGCCGC>T]CGCCGCCGCCACCGCCGCCACCGCCGTCCACCTTGAAGCACACGGAGTTGCCGTGCTCCT-3'